The following is an entry in ClinVar:

NM_019892.6(INPP5E):c.76C>G (p.Gln26Glu)

Gene: INPP5E (inositol polyphosphate-5-phosphatase E; minus strand). Cytogenetic location: 9q34.3.
Variant type: single nucleotide variant.
Coding change: c.76C>G on transcript NM_019892.6 (MANE Select); coding-DNA position 76, C replaced by G.
Protein change: p.Gln26Glu; replaces glutamine 26 with glutamic acid.
Molecular consequence: missense variant.
Genome position (GRCh38, 1-based): chr9:136,439,344, G>C on the plus strand (C>G on the coding strand, the complement: INPP5E is on the minus strand). VCF-style: chr9-136439344-G-C. GRCh37 (hg19) VCF-style: chr9-139333796-G-C.
Other names: c.76C>G, p.Gln26Glu (NM_001318502.2); short protein forms Q26E.
Identifiers: ClinVar variation 3346977 (VCV003346977.1).

ClinVar aggregate classification (germline): Uncertain significance (0 of 4 stars; one submission).

Conditions:
INPP5E-related disorder. Also called: INPP5E-related condition.

Submission:

PreventionGenetics, part of Exact Sciences
Classification: Uncertain significance for INPP5E-related condition. Last evaluated: 2024-05-21. Review status: no assertion criteria provided. Collection method: clinical testing. Allele origin: germline.
Comment: The INPP5E c.76C>G variant is predicted to result in the amino acid substitution p.Gln26Glu. To our knowledge, this variant has not been reported in the literature or in a large population database, indicating this variant is rare. At this time, the clinical significance of this variant is uncertain due to the absence of conclusive functional and genetic evidence.